The following is an entry in ClinVar:

ClinVar aggregate classification (germline): Uncertain significance. Review status: criteria provided, multiple submitters, no conflicts (2 of 4 stars). 2 submissions from 2 submitters: Uncertain significance (2). Last evaluated 2025-01-04.

Conditions:
Inborn genetic diseases. Identifiers: MedGen C0950123, MeSH D030342.

gnomAD v4.1: 1 of 1,614,170 alleles (0.000062%); highest among the groups gnomAD compares: Non-Finnish European, 0.000085%; no homozygotes.

Submissions (2):

Ambry Genetics
Classification: Uncertain significance for Inborn genetic diseases. Last evaluated: 2025-01-04. Review status: criteria provided, single submitter. Criteria: Ambry Variant Classification Scheme 2023. Collection method: clinical testing. Allele origin: germline.
Comment: The p.R506G variant (also known as c.1516C>G), located in coding exon 6 of the MBD4 gene, results from a C to G substitution at nucleotide position 1516. The arginine at codon 506 is replaced by glycine, an amino acid with dissimilar properties. This amino acid position is conserved. In addition, this alteration is predicted to be deleterious by in silico analysis. Based on the available evidence, the clinical significance of this variant remains unclear.

Labcorp Genetics (formerly Invitae), Labcorp
Classification: Uncertain significance. Last evaluated: 2024-05-13. Review status: criteria provided, single submitter. Criteria: Invitae Variant Classification Sherloc (09022015). Collection method: clinical testing. Allele origin: germline.
Comment: This sequence change replaces arginine, which is basic and polar, with glycine, which is neutral and non-polar, at codon 512 of the MBD4 protein (p.Arg512Gly). This variant is not present in population databases (gnomAD no frequency). This variant has not been reported in the literature in individuals affected with MBD4-related conditions. An algorithm developed to predict the effect of missense changes on protein structure and function (PolyPhen-2) suggests that this variant is likely to be disruptive. In summary, the available evidence is currently insufficient to determine the role of this variant in disease. Therefore, it has been classified as a Variant of Uncertain Significance.

NM_001276270.2(MBD4):c.1516C>G (p.Arg506Gly)

Gene: MBD4 (methyl-CpG binding domain 4, DNA glycosylase; minus strand). Cytogenetic location: 3q21.3.
Variant type: single nucleotide variant.
Coding change: c.1516C>G on transcript NM_001276270.2 (MANE Select); coding-DNA position 1516, C replaced by G.
Protein change: p.Arg506Gly; replaces arginine 506 with glycine.
Molecular consequence: missense variant.
Genome position (GRCh38, 1-based): chr3:129,433,125, G>C on the plus strand (C>G on the coding strand, the complement: MBD4 is on the minus strand). VCF-style: chr3-129433125-G-C. GRCh37 (hg19) VCF-style: chr3-129151968-G-C.
Other names: c.1534C>G, p.Arg512Gly (NM_001276271.2, NM_001276272.2, NM_003925.3); c.580C>G, p.Arg194Gly (NM_001276273.2); short protein forms R194G, R506G, R512G.
Identifiers: ClinVar variation 2803531 (VCV002803531.4), dbSNP rs1381175027, ClinGen allele CA354465139.